The following is an entry in ClinVar:

NM_004423.4(DVL3):c.1057A>G (p.Ile353Val)

Gene: DVL3 (dishevelled segment polarity protein 3; plus strand). Cytogenetic location: 3q27.1.
Variant type: single nucleotide variant.
Coding change: c.1057A>G on transcript NM_004423.4 (MANE Select); coding-DNA position 1057, A replaced by G.
Protein change: p.Ile353Val; replaces isoleucine 353 with valine.
Molecular consequence: missense variant.
Genome position (GRCh38, 1-based): chr3:184,166,834, A>G. VCF-style: chr3-184166834-A-G. GRCh37 (hg19) VCF-style: chr3-183884622-A-G.
Other names: short protein forms I353V.
Identifiers: ClinVar variation 1910283 (VCV001910283.5), dbSNP rs1577050255, ClinGen allele CA355410289.

ClinVar aggregate classification (germline): Uncertain significance (1 of 4 stars; one submission).

Allele frequency attached by ClinVar (database versions not stated): TOPMed below 0.00001.
gnomAD v4.1: 1 of 1,613,998 alleles (0.000062%); highest among the groups gnomAD compares: Non-Finnish European, 0.000085%; no homozygotes.

Submission:

Labcorp Genetics (formerly Invitae), Labcorp
Classification: Uncertain significance. Last evaluated: 2024-03-23. Review status: criteria provided, single submitter. Criteria: Invitae Variant Classification Sherloc (09022015). Collection method: clinical testing. Allele origin: germline.
Comment: This sequence change replaces isoleucine, which is neutral and non-polar, with valine, which is neutral and non-polar, at codon 353 of the DVL3 protein (p.Ile353Val). This variant is not present in population databases (gnomAD no frequency). This missense change has been observed in individual(s) with clinical features of DVL3-related conditions (PMID: 22892949). ClinVar contains an entry for this variant (Variation ID: 1910283). An algorithm developed to predict the effect of missense changes on protein structure and function (PolyPhen-2) suggests that this variant is likely to be tolerated. In summary, the available evidence is currently insufficient to determine the role of this variant in disease. Therefore, it has been classified as a Variant of Uncertain Significance.

Literature cited by the submitters: PubMed 22892949.